The following is an entry in ClinVar:

NM_001199753.2(CPT1C):c.1064C>T (p.Pro355Leu)

Gene: CPT1C (carnitine palmitoyltransferase 1C; plus strand). Cytogenetic location: 19q13.33.
Variant type: single nucleotide variant.
Coding change: c.1064C>T on transcript NM_001199753.2 (MANE Select); coding-DNA position 1064, C replaced by T.
Protein change: p.Pro355Leu; replaces proline 355 with leucine.
Molecular consequence: missense variant. On other transcripts: non-coding transcript variant (1).
Genome position (GRCh38, 1-based): chr19:49,706,008, C>T. VCF-style: chr19-49706008-C-T. GRCh37 (hg19) VCF-style: chr19-50209265-C-T.
Other names: c.1031C>T, p.Pro344Leu (NM_001136052.3, NM_001378485.1, NM_001378487.1); c.1064C>T, p.Pro355Leu (NM_001199752.3, NM_001378483.1, NM_001378484.1 and 3 more transcripts); c.1130C>T, p.Pro377Leu (NM_001378482.1); short protein forms P344L, P355L, P377L.
Identifiers: ClinVar variation 1236208 (VCV001236208.3), dbSNP rs1384468076, ClinGen allele CA406903524.

ClinVar aggregate classification (germline): Uncertain significance (1 of 4 stars; one submission).

Conditions:
Hereditary spastic paraplegia 73. Also called: Spastic paraplegia 73, autosomal dominant. Identifiers: Orphanet 444099, MedGen C5568981, MONDO:0014568, OMIM 616282.

Allele frequency attached by ClinVar (database versions not stated): gnomAD exomes below 0.00001; TOPMed below 0.00001; gnomAD 0.00001.
gnomAD v4.1: 4 of 1,613,906 alleles (0.00025%); highest among the groups gnomAD compares: East Asian, 0.0022%; no homozygotes.

Submission:

Institute of Human Genetics, University of Goettingen
Classification: Uncertain significance for Hereditary spastic paraplegia 73. Last evaluated: 2021-09-10. Review status: criteria provided, single submitter. Criteria: ACMG Guidelines, 2015. Collection method: clinical testing. Allele origin: unknown. Inheritance: Autosomal dominant inheritance. Observed: 1 heterozygote.
Comment: The variant c.1031C>T (p.(Pro344Leu)) in exon 11 of the CPT1C-gene is found at a population frequency of 0.0032% in the gnomAD database, it affects a highly conserved nucleotide, a highly conserved amino acid within a protein domain and there is a moderate physicochemical difference between Pro and Leu. This variant has a pathogenic computational verdict based on 12 pathogenic predictions from BayesDel_addAF, DANN, DEOGEN2, EIGEN, FATHMM-MKL, LIST-S2, M-CAP, MVP, MutationAssessor, MutationTaster, PolyPhen-2 and SIFT vs 1 benign prediction from PrimateAI. ACMG criteria used for classification: PM2, PP3.